The following is an entry in ClinVar:

ClinVar aggregate classification (germline): Uncertain significance (1 of 4 stars; one submission).

Submission:

Dasa
Classification: Uncertain significance. Last evaluated: 2025-08-20. Review status: criteria provided, single submitter. Criteria: DASA Assertion Criteria. Collection method: clinical testing. Allele origin: germline.
Comment: NM_014927.5(CNKSR2):c.2132C>T (p.Pro711Leu) is a missense variant that results in the substitution of proline with leucine. This variant is rare in population databases. The currently available literature and clinical evidence are not sufficient to establish a definitive association between this variant and the reported condition. Therefore, this variant is classified as a variant of uncertain significance.

NM_014927.5(CNKSR2):c.2132C>T (p.Pro711Leu)

Gene: CNKSR2 (connector enhancer of kinase suppressor of Ras 2; plus strand). Cytogenetic location: Xp22.12.
Variant type: single nucleotide variant.
Coding change: c.2132C>T on transcript NM_014927.5 (MANE Select); coding-DNA position 2132, C replaced by T.
Protein change: p.Pro711Leu; replaces proline 711 with leucine.
Molecular consequence: missense variant.
Genome position (GRCh38, 1-based): chrX:21,606,866, C>T. VCF-style: chrX-21606866-C-T. GRCh37 (hg19) VCF-style: chrX-21624984-C-T.
Other names: c.2042C>T, p.Pro681Leu (NM_001168647.3, NM_001330773.2); c.2132C>T, p.Pro711Leu (NM_001168648.3); c.1985C>T, p.Pro662Leu (NM_001168649.3, NM_001330770.2); c.1895C>T, p.Pro632Leu (NM_001330771.2, NM_001330772.2); short protein forms P632L, P662L, P681L, P711L.
Identifiers: ClinVar variation 4882383 (VCV004882383.2).